The following is an entry in ClinVar:

NM_004525.3(LRP2):c.8409A>G (p.Val2803=)

Gene: LRP2 (LDL receptor related protein 2; minus strand). Cytogenetic location: 2q31.1.
Variant type: single nucleotide variant.
Coding change: c.8409A>G on transcript NM_004525.3 (MANE Select); coding-DNA position 8409, A replaced by G.
Protein change: p.Val2803=; no amino-acid change (valine 2803 retained).
Molecular consequence: synonymous variant.
Genome position (GRCh38, 1-based): chr2:169,201,671, T>C on the plus strand (A>G on the coding strand, the complement: LRP2 is on the minus strand). VCF-style: chr2-169201671-T-C. GRCh37 (hg19) VCF-style: chr2-170058181-T-C.
Other names: c.8409A>G (NM_004525.2).
Identifiers: ClinVar variation 1153932 (VCV001153932.11), dbSNP rs201263376, ClinGen allele CA1953870.

ClinVar aggregate classification (germline): Likely benign. Review status: criteria provided, multiple submitters, no conflicts (2 of 4 stars). 3 submissions from 3 submitters: Likely benign (3). Last evaluated 2026-02-04.

Conditions:
Donnai-Barrow syndrome. Also called: DBS/FOAR SYNDROME; FACIOOCULOACOUSTICORENAL SYNDROME. Identifiers: Orphanet 2143, MedGen C1857277, MONDO:0009104, OMIM 222448.
LRP2-related disorder. Also called: LRP2-related condition.

Allele frequency attached by ClinVar (database versions not stated): 1000 Genomes Project 0.00060; 1000 Genomes Project 30x 0.00062; gnomAD exomes 0.00001; ExAC 0.00002; gnomAD 0.00016 and 0.00017; TOPMed 0.00032.
gnomAD v4.1: 35 of 1,614,236 alleles (0.0022%); highest among the groups gnomAD compares: Admixed American, 0.055%; no homozygotes.

Submissions (3):

Labcorp Genetics (formerly Invitae), Labcorp
Classification: Likely benign. Last evaluated: 2026-02-04. Review status: criteria provided, single submitter. Criteria: Invitae Variant Classification Sherloc (09022015). Collection method: clinical testing. Allele origin: germline.

PreventionGenetics, part of Exact Sciences
Classification: Likely benign for LRP2-related condition. Last evaluated: 2025-02-07. Review status: criteria provided, single submitter. Criteria: ACMG Guidelines, 2015. Collection method: clinical testing. Allele origin: germline.
Comment: This variant is classified as likely benign based on ACMG/AMP sequence variant interpretation guidelines (Richards et al. 2015 PMID: 25741868, with internal and published modifications).

Fulgent Genetics
Classification: Likely benign for Donnai-Barrow syndrome. Last evaluated: 2021-10-22. Review status: criteria provided, single submitter. Criteria: ACMG Guidelines, 2015. Collection method: clinical testing. Allele origin: unknown.